The following is an entry in ClinVar:

ClinVar aggregate classification (germline): Likely pathogenic (1 of 4 stars; one submission).

Conditions:
Alport syndrome. Also called: Hemorrhagic familial nephritis; Hemorrhagic hereditary nephritis; Congenital hereditary hematuria. Identifiers: Orphanet 63, MedGen C1567741, MONDO:0018965.

Submission:

Natera, Inc.
Classification: Likely pathogenic for Alport syndrome. Last evaluated: 2025-09-03. Review status: criteria provided, single submitter. Criteria: Natera Variant Classification Schema (03/2026). Collection method: clinical testing. Allele origin: germline.
Comment: The c.2020G>A variant in COL4A3 is a missense variant predicted to cause substitution of glycine to serine at amino acid 674. This variant is rare in the general population with a frequency below the threshold expected for the associated phenotype(s). This variant is located in a functionally critical region of the protein. Computational prediction algorithms indicate this variant is likely to affect gene or protein function. Given the available evidence, this variant is classified as Likely Pathogenic.

NM_000091.5(COL4A3):c.2020G>A (p.Gly674Ser)

Genes: MFF-DT (MFF divergent transcript; minus strand), COL4A3 (collagen type IV alpha 3 chain; plus strand). Cytogenetic location: 2q36.3.
Variant type: single nucleotide variant.
Coding change: c.2020G>A on transcript NM_000091.5 (MANE Select); coding-DNA position 2020, G replaced by A.
Protein change: p.Gly674Ser; replaces glycine 674 with serine.
Molecular consequence: missense variant.
Genome position (GRCh38, 1-based): chr2:227,276,477, G>A. VCF-style: chr2-227276477-G-A. GRCh37 (hg19) VCF-style: chr2-228141193-G-A.
Other names: short protein forms G674S.
Identifiers: ClinVar variation 4817211 (VCV004817211.1).